The following is an entry in ClinVar:

NM_000256.3(MYBPC3):c.118G>A (p.Val40Met)

Gene: MYBPC3 (myosin binding protein C3; minus strand). Cytogenetic location: 11p11.2.
Variant type: single nucleotide variant.
Coding change: c.118G>A on transcript NM_000256.3 (MANE Select); coding-DNA position 118, G replaced by A.
Protein change: p.Val40Met; replaces valine 40 with methionine.
Molecular consequence: missense variant.
Genome position (GRCh38, 1-based): chr11:47,351,413, C>T on the plus strand (G>A on the coding strand, the complement: MYBPC3 is on the minus strand). VCF-style: chr11-47351413-C-T. GRCh37 (hg19) VCF-style: chr11-47372964-C-T.
Other names: short protein forms V40M.
Identifiers: ClinVar variation 949730 (VCV000949730.14), dbSNP rs780085131, ClinGen allele CA043085.
Genomic context (GRCh38, chr11:47,351,413, plus strand): 5'-CTGTGGCCAGGCCGTACTTGTTGCTGGCGCTGATGTCACTGCCTCCGCGCTGCCAGCGCA[C>T]CTTCACTCCTGCCCGCTCTGTCTCGGCCTCGAACACGGCAGGGCTGCCTGCGGCCACTTC-3'
Protein context (NP_000247.2, residues 30-50): EAETERAGVK[Val40Met]RWQRGGSDIS

ClinVar aggregate classification (germline): Uncertain significance. Review status: criteria provided, multiple submitters, no conflicts (2 of 4 stars). 4 submissions from 4 submitters: Uncertain significance (4). Last evaluated 2025-11-01.

Conditions:
Cardiovascular phenotype. Identifiers: MedGen CN230736.
Hypertrophic cardiomyopathy. Also called: HYPERTROPHIC MYOCARDIOPATHY. Identifiers: Orphanet 217569, MedGen C0007194, MeSH D002312, MONDO:0005045, HP:0001639.
MYBPC3-related disorder. Also called: MYBPC3-related disorders; MYBPC3-related condition; MYBPC3-related disease.

Allele frequency attached by ClinVar (database versions not stated): ExAC 0.00001; gnomAD exomes 0.00001; gnomAD 0.00003 and 0.00004; TOPMed 0.00003.
gnomAD v4.1: 7 of 1,610,216 alleles (0.00043%); highest among the groups gnomAD compares: African/African-American, 0.0067%; no homozygotes.

Submissions (4):

Labcorp Genetics (formerly Invitae), Labcorp
Classification: Uncertain significance for Hypertrophic cardiomyopathy. Last evaluated: 2025-11-01. Review status: criteria provided, single submitter. Criteria: Invitae Variant Classification Sherloc (09022015). Collection method: clinical testing. Allele origin: germline.
Comment: This sequence change replaces valine, which is neutral and non-polar, with methionine, which is neutral and non-polar, at codon 40 of the MYBPC3 protein (p.Val40Met). This variant is present in population databases (rs780085131, gnomAD 0.01%). This variant has not been reported in the literature in individuals affected with MYBPC3-related conditions. ClinVar contains an entry for this variant (Variation ID: 949730). An algorithm developed to predict the effect of missense changes on protein structure and function (PolyPhen-2) suggests that this variant is likely to be disruptive. In summary, the available evidence is currently insufficient to determine the role of this variant in disease. Therefore, it has been classified as a Variant of Uncertain Significance.

PreventionGenetics, part of Exact Sciences
Classification: Uncertain significance for MYBPC3-related condition. Last evaluated: 2025-09-12. Review status: criteria provided, single submitter. Criteria: ACMG Guidelines, 2015. Collection method: clinical testing. Allele origin: germline.
Comment: The MYBPC3 c.118G>A variant is predicted to result in the amino acid substitution p.Val40Met. To our knowledge, this variant has not been reported in the literature. This variant is reported in 0.013% of alleles in individuals of African descent in gnomAD. At this time, the clinical significance of this variant is uncertain due to the absence of conclusive functional and genetic evidence.

Ambry Genetics
Classification: Uncertain significance for Cardiovascular phenotype. Last evaluated: 2025-08-28. Review status: criteria provided, single submitter. Criteria: Ambry Variant Classification Scheme 2023. Collection method: clinical testing. Allele origin: germline.

GeneDx
Classification: Uncertain significance. Last evaluated: 2024-06-04. Review status: criteria provided, single submitter. Criteria: GeneDx Variant Classification Process June 2021. Collection method: clinical testing. Allele origin: germline.
Comment: Not observed at significant frequency in large population cohorts (gnomAD); In silico analysis indicates that this missense variant does not alter protein structure/function; Has not been previously published as pathogenic or benign to our knowledge